The following is an entry in ClinVar:

NM_015021.3(ZNF292):c.1034G>C (p.Gly345Ala)

Gene: ZNF292 (zinc finger protein 292; plus strand). Cytogenetic location: 6q14.3.
Variant type: single nucleotide variant.
Coding change: c.1034G>C on transcript NM_015021.3 (MANE Select); coding-DNA position 1034, G replaced by C.
Protein change: p.Gly345Ala; replaces glycine 345 with alanine.
Molecular consequence: missense variant.
Genome position (GRCh38, 1-based): chr6:87,254,663, G>C. VCF-style: chr6-87254663-G-C. GRCh37 (hg19) VCF-style: chr6-87964381-G-C.
Other names: c.614G>C, p.Gly205Ala (NM_001351444.2); short protein forms G345A, G205A.
Identifiers: ClinVar variation 2692492 (VCV002692492.1), dbSNP rs2482283134, ClinGen allele CA364907904.

ClinVar aggregate classification (germline): Uncertain significance (1 of 4 stars; one submission).

Submission:

Greenwood Genetic Center Diagnostic Laboratories, Greenwood Genetic Center
Classification: Uncertain significance. Last evaluated: 2023-12-06. Review status: criteria provided, single submitter. Criteria: ACMG Guidelines, 2015. Collection method: clinical testing. Allele origin: germline. Affected: yes.
Comment: PM2, PP3